The following is an entry in ClinVar:

ClinVar aggregate classification (germline): Uncertain significance (1 of 4 stars; one submission).

Conditions:
Hypertrophic cardiomyopathy 14. Identifiers: MedGen C2750467, MONDO:0013197, OMIM 613251.

Allele frequency attached by ClinVar (database versions not stated): gnomAD 0.00001; gnomAD exomes 0.00001; ExAC 0.00002; 1000 Genomes Project 0.00020.
gnomAD v4.1: 12 of 1,613,554 alleles (0.00074%); highest among the groups gnomAD compares: East Asian, 0.0022%; no homozygotes.

Submission:

Labcorp Genetics (formerly Invitae), Labcorp
Classification: Uncertain significance for Hypertrophic cardiomyopathy 14. Last evaluated: 2021-05-03. Review status: criteria provided, single submitter. Criteria: Invitae Variant Classification Sherloc (09022015). Collection method: clinical testing. Allele origin: germline.
Comment: In summary, the available evidence is currently insufficient to determine the role of this variant in disease. Therefore, it has been classified as a Variant of Uncertain Significance. Algorithms developed to predict the effect of missense changes on protein structure and function are either unavailable or do not agree on the potential impact of this missense change (SIFT: "Tolerated"; PolyPhen-2: "Possibly Damaging"; Align-GVGD: "Class C0"). This variant has not been reported in the literature in individuals with MYH6-related conditions. This variant is present in population databases (rs572757741, ExAC 0.003%). This sequence change replaces aspartic acid with asparagine at codon 334 of the MYH6 protein (p.Asp334Asn). The aspartic acid residue is weakly conserved and there is a small physicochemical difference between aspartic acid and asparagine.

NM_002471.4(MYH6):c.1000G>A (p.Asp334Asn)

Gene: MYH6 (myosin heavy chain 6; minus strand). Cytogenetic location: 14q11.2.
Variant type: single nucleotide variant.
Coding change: c.1000G>A on transcript NM_002471.4 (MANE Select); coding-DNA position 1000, G replaced by A.
Protein change: p.Asp334Asn; replaces aspartic acid 334 with asparagine.
Molecular consequence: missense variant.
Genome position (GRCh38, 1-based): chr14:23,402,699, C>T on the plus strand (G>A on the coding strand, the complement: MYH6 is on the minus strand). VCF-style: chr14-23402699-C-T. GRCh37 (hg19) VCF-style: chr14-23871908-C-T.
Other names: short protein forms D334N.
Identifiers: ClinVar variation 1388720 (VCV001388720.8), dbSNP rs572757741, ClinGen allele CA7115951.